The following is an entry in ClinVar:

ClinVar aggregate classification (germline): Uncertain significance. Review status: criteria provided, multiple submitters, no conflicts (2 of 4 stars). 2 submissions from 2 submitters: Uncertain significance (2). Last evaluated 2024-07-02.

Conditions:
Hereditary cancer-predisposing syndrome. Also called: Neoplastic Syndromes, Hereditary; Tumor predisposition; Hereditary neoplastic syndrome; Hereditary Cancer Syndrome. Identifiers: Orphanet 140162, MedGen C0027672, MeSH D009386, MONDO:0015356.
Cardiovascular phenotype. Identifiers: MedGen CN230736.

Allele frequency attached by ClinVar (database versions not stated): gnomAD exomes below 0.00001.
gnomAD v4.1: 1 of 1,596,858 alleles (0.000063%); highest among the groups gnomAD compares: South Asian, 0.0011%; no homozygotes.

Submissions (2):

Labcorp Genetics (formerly Invitae), Labcorp
Classification: Uncertain significance. Last evaluated: 2024-07-02. Review status: criteria provided, single submitter. Criteria: Invitae Variant Classification Sherloc (09022015). Collection method: clinical testing. Allele origin: germline.
Comment: This sequence change replaces methionine, which is neutral and non-polar, with arginine, which is basic and polar, at codon 289 of the LZTR1 protein (p.Met289Arg). This variant is not present in population databases (gnomAD no frequency). This variant has not been reported in the literature in individuals affected with LZTR1-related conditions. Advanced modeling of protein sequence and biophysical properties (such as structural, functional, and spatial information, amino acid conservation, physicochemical variation, residue mobility, and thermodynamic stability) performed at Invitae indicates that this missense variant is not expected to disrupt LZTR1 protein function with a negative predictive value of 80%. In summary, the available evidence is currently insufficient to determine the role of this variant in disease. Therefore, it has been classified as a Variant of Uncertain Significance.

Ambry Genetics
Classification: Uncertain significance for Cardiovascular phenotype; Hereditary cancer-predisposing syndrome. Last evaluated: 2023-12-22. Review status: criteria provided, single submitter. Criteria: Ambry Variant Classification Scheme 2023. Collection method: clinical testing. Allele origin: germline.
Comment: The p.M289R variant (also known as c.866T>G), located in coding exon 9 of the LZTR1 gene, results from a T to G substitution at nucleotide position 866. The methionine at codon 289 is replaced by arginine, an amino acid with similar properties. This amino acid position is conserved. In addition, this alteration is predicted to be deleterious by in silico analysis. Since supporting evidence is limited at this time, the clinical significance of this alteration remains unclear.

NM_006767.4(LZTR1):c.866T>G (p.Met289Arg)

Gene: LZTR1 (leucine zipper like post translational regulator 1; plus strand). Cytogenetic location: 22q11.21.
Variant type: single nucleotide variant.
Coding change: c.866T>G on transcript NM_006767.4 (MANE Select); coding-DNA position 866, T replaced by G.
Protein change: p.Met289Arg; replaces methionine 289 with arginine.
Molecular consequence: missense variant.
Genome position (GRCh38, 1-based): chr22:20,991,702, T>G. VCF-style: chr22-20991702-T-G. GRCh37 (hg19) VCF-style: chr22-21345991-T-G.
Other names: short protein forms M289R.
Identifiers: ClinVar variation 3238357 (VCV003238357.3), dbSNP rs2518617129.